The following is an entry in ClinVar:

NM_002471.4(MYH6):c.4010C>T (p.Ser1337Leu)

Gene: MYH6 (myosin heavy chain 6; minus strand). Cytogenetic location: 14q11.2.
Variant type: single nucleotide variant.
Coding change: c.4010C>T on transcript NM_002471.4 (MANE Select); coding-DNA position 4010, C replaced by T.
Protein change: p.Ser1337Leu; replaces serine 1337 with leucine.
Molecular consequence: missense variant.
Genome position (GRCh38, 1-based): chr14:23,389,024, G>A on the plus strand (C>T on the coding strand, the complement: MYH6 is on the minus strand). VCF-style: chr14-23389024-G-A. GRCh37 (hg19) VCF-style: chr14-23858233-G-A.
Other names: short protein forms S1337L.
Identifiers: ClinVar variation 646916 (VCV000646916.20), dbSNP rs758922922, ClinGen allele CA7114953.

ClinVar aggregate classification (germline): Uncertain significance. Review status: criteria provided, multiple submitters, no conflicts (2 of 4 stars). 8 submissions from 8 submitters: Uncertain significance (6). 2 of the submissions do not count toward it. Last evaluated 2026-08-26.

Conditions:
Hypertrophic cardiomyopathy 14. Identifiers: MedGen C2750467, MONDO:0013197, OMIM 613251.
Cardiovascular phenotype. Identifiers: MedGen CN230736.
MYH6-related disorder. Also called: MYH6-Related Disorders; MYH6-related condition.

Allele frequency attached by ClinVar (database versions not stated): ExAC 0.00001; gnomAD exomes 0.00001; gnomAD 0.00002; TOPMed 0.00004.
gnomAD v4.1: 16 of 1,611,064 alleles (0.00099%); highest among the groups gnomAD compares: Middle Eastern, 0.033%; no homozygotes.

Submissions (8):

PreventionGenetics, part of Exact Sciences
Classification: Uncertain significance for MYH6-related condition. Last evaluated: 2026-08-26. Review status: criteria provided, single submitter. Criteria: ACMG Guidelines, 2015. Collection method: clinical testing. Allele origin: germline.
Comment: The MYH6 c.4010C>T variant is predicted to result in the amino acid substitution p.Ser1337Leu. This variant has been reported in an individual with dilated cardiomyopathy (Table S4, Verdonschot et al. 2020. PubMed ID: 32880476) and in an individual with left ventricular non-compaction (LVNC) who also harbored a BRAF variant (Vershinina et al. 2020. PubMed ID: 33049752). This variant is reported in 0.0040% of alleles in individuals of African descent in gnomAD, and is interpreted as uncertain in the ClinVar database (Variation ID: 646916). At this time, the clinical significance of this variant is uncertain due to the absence of conclusive functional and genetic evidence.

Labcorp Genetics (formerly Invitae), Labcorp
Classification: Uncertain significance for Hypertrophic cardiomyopathy 14. Last evaluated: 2025-11-09. Review status: criteria provided, single submitter. Criteria: Invitae Variant Classification Sherloc (09022015). Collection method: clinical testing. Allele origin: germline.
Comment: This sequence change replaces serine, which is neutral and polar, with leucine, which is neutral and non-polar, at codon 1337 of the MYH6 protein (p.Ser1337Leu). This variant is present in population databases (rs758922922, gnomAD 0.004%). This missense change has been observed in individual(s) with dilated cardiomyopathy (PMID: 32880476). ClinVar contains an entry for this variant (Variation ID: 646916). Invitae Evidence Modeling of protein sequence and biophysical properties (such as structural, functional, and spatial information, amino acid conservation, physicochemical variation, residue mobility, and thermodynamic stability) has been performed for this missense variant. However, the output from this modeling did not meet the statistical confidence thresholds required to predict the impact of this variant on MYH6 protein function. In summary, the available evidence is currently insufficient to determine the role of this variant in disease. Therefore, it has been classified as a Variant of Uncertain Significance.

Revvity Omics, Revvity
Classification: Uncertain significance. Last evaluated: 2025-02-06. Review status: criteria provided, single submitter. Criteria: ACMG Guidelines, 2015. Collection method: clinical testing. Allele origin: germline.

GeneDx
Classification: Uncertain significance. Last evaluated: 2025-01-07. Review status: criteria provided, single submitter. Criteria: GeneDx Variant Classification Process June 2021. Collection method: clinical testing. Allele origin: germline. Affected: yes.
Comment: Not observed at significant frequency in large population cohorts (gnomAD); In silico analysis supports that this missense variant has a deleterious effect on protein structure/function; Identified in a patient with DCM and a patient with LVNC who also harbored a variant in the BRAF gene (PMID: 32880476, 33049752, 34819141); This variant is associated with the following publications: (PMID: 35308086, 33049752, 35621855, 34819141, 32880476)

Ambry Genetics
Classification: Uncertain significance for Cardiovascular phenotype. Last evaluated: 2023-12-22. Review status: criteria provided, single submitter. Criteria: Ambry Variant Classification Scheme 2023. Collection method: clinical testing. Allele origin: germline.
Comment: The p.S1337L variant (also known as c.4010C>T), located in coding exon 27 of the MYH6 gene, results from a C to T substitution at nucleotide position 4010. The serine at codon 1337 is replaced by leucine, an amino acid with dissimilar properties. This amino acid position is highly conserved in available vertebrate species. In addition, the in silico prediction for this alteration is inconclusive. Since supporting evidence is limited at this time, the clinical significance of this alteration remains unclear.

Blueprint Genetics
Classification: Uncertain significance. Last evaluated: 2023-03-29. Review status: criteria provided, single submitter. Criteria: ACMG Guidelines, 2015. Collection method: clinical testing. Allele origin: germline.

Genome Diagnostics Laboratory, University Medical Center Utrecht
Classification: Uncertain significance. Review status: no assertion criteria provided. Collection method: clinical testing. Allele origin: germline. Affected: yes. Study: VKGL Data-share Consensus. Not counted in ClinVar's aggregate classification.

Joint Genome Diagnostic Labs from Nijmegen and Maastricht, Radboudumc and MUMC+
Classification: Uncertain significance. Review status: no assertion criteria provided. Collection method: clinical testing. Allele origin: germline. Affected: yes. Study: VKGL Data-share Consensus. Not counted in ClinVar's aggregate classification.

Literature cited by the submitters: PubMed 32880476 (cited by Labcorp Genetics (formerly Invitae), Labcorp).